The following is an entry in ClinVar:

ClinVar aggregate classification (germline): Uncertain significance (1 of 4 stars; one submission).

Allele frequency attached by ClinVar (database versions not stated): gnomAD exomes below 0.00001; ExAC 0.00001.
gnomAD v4.1: 2 of 1,613,342 alleles (0.00012%); highest among the groups gnomAD compares: South Asian, 0.0011%; no homozygotes.

Submission:

Labcorp Genetics (formerly Invitae), Labcorp
Classification: Uncertain significance. Last evaluated: 2022-05-29. Review status: criteria provided, single submitter. Criteria: Invitae Variant Classification Sherloc (09022015). Collection method: clinical testing. Allele origin: germline.
Comment: In summary, the available evidence is currently insufficient to determine the role of this variant in disease. Therefore, it has been classified as a Variant of Uncertain Significance. Algorithms developed to predict the effect of missense changes on protein structure and function (SIFT, PolyPhen-2, Align-GVGD) all suggest that this variant is likely to be tolerated. This variant has not been reported in the literature in individuals affected with PPP3CA-related conditions. This variant is present in population databases (rs768576482, gnomAD 0.003%). This sequence change replaces asparagine, which is neutral and polar, with serine, which is neutral and polar, at codon 495 of the PPP3CA protein (p.Asn495Ser).

NM_000944.5(PPP3CA):c.1484A>G (p.Asn495Ser)

Gene: PPP3CA (protein phosphatase 3 catalytic subunit alpha; minus strand). Cytogenetic location: 4q24.
Variant type: single nucleotide variant.
Coding change: c.1484A>G on transcript NM_000944.5 (MANE Select); coding-DNA position 1484, A replaced by G.
Protein change: p.Asn495Ser; replaces asparagine 495 with serine.
Molecular consequence: missense variant.
Genome position (GRCh38, 1-based): chr4:101,025,947, T>C on the plus strand (A>G on the coding strand, the complement: PPP3CA is on the minus strand). VCF-style: chr4-101025947-T-C. GRCh37 (hg19) VCF-style: chr4-101947104-T-C.
Other names: c.1454A>G, p.Asn485Ser (NM_001130691.2); c.1328A>G, p.Asn443Ser (NM_001130692.2); short protein forms N485S, N495S, N443S.
Identifiers: ClinVar variation 1908507 (VCV001908507.5), dbSNP rs768576482, ClinGen allele CA3024225.
Genomic context (GRCh38, chr4:101,025,947, plus strand): 5'-CTGCCATTGCTGTCCGTGCCGTTAGTCTCTGAGGTGAGAGCCTTGTTGATGGAGTTAAGG[T>C]TGGCGTCAGAGGGCATGGCATCTCTGCGAGGCGGCATCCTCTCATTAATTCGGTCTAAGC-3'
Protein context (NP_000935.1, residues 485-505): PRRDAMPSDA[Asn495Ser]LNSINKALTS